The following is an entry in ClinVar:

NM_020774.4(MIB1):c.2749A>T (p.Lys917Ter)

Gene: MIB1 (MIB E3 ubiquitin protein ligase 1; plus strand). Cytogenetic location: 18q11.2.
Variant type: single nucleotide variant.
Coding change: c.2749A>T on transcript NM_020774.4 (MANE Select); coding-DNA position 2749, A replaced by T.
Protein change: p.Lys917Ter; replaces lysine 917 with a stop codon.
Molecular consequence: nonsense.
Genome position (GRCh38, 1-based): chr18:21,857,213, A>T. VCF-style: chr18-21857213-A-T. GRCh37 (hg19) VCF-style: chr18-19437174-A-T.
Other names: p.Lys917Ter; short protein forms K917*.
Identifiers: ClinVar variation 450188 (VCV000450188.4), dbSNP rs1019483000, ClinGen allele CA401797611.

ClinVar aggregate classification (germline): Conflicting classifications of pathogenicity. Review status: criteria provided, conflicting classifications (1 of 4 stars). 2 submissions from 2 submitters: Likely pathogenic (1); Uncertain significance (1). Last evaluated 2024-10-24.

Conditions:
Left ventricular noncompaction 7 (LVNC7). Identifiers: Orphanet 54260, MedGen C3554496, MONDO:0014042, OMIM 615092.

Submissions (2):

Petrovsky National Research Centre of Surgery, The Federal Agency for Scientific Organizations
Classification: Likely pathogenic for Left ventricular noncompaction 7. Last evaluated: 2024-10-24. Review status: criteria provided, single submitter. Criteria: ACMG Guidelines, 2015. Collection method: clinical testing. Allele origin: germline. Inheritance: Autosomal dominant inheritance. Affected: yes. Observed: 1 heterozygote.
Comment: This variant is not present in gnomAD database v2.1.1, v4.1.0. and predicted to introduce a premature translation termination codon. According to AutoPVS1, mRNA carrying this variant, will be processed through nonsense-mediated decay mechanism, leading to haploinsufficiency. Truncating mutations in the MIB1 gene are known to be pathogenic (PMID: 23314057, 30322850). Based on these evidences, we consider it to classify this variant as Likely Pathogenic.

GeneDx
Classification: Uncertain significance. Last evaluated: 2017-07-06. Review status: criteria provided, single submitter. Criteria: GeneDx Variant Classification (06012015). Collection method: clinical testing. Allele origin: germline. Affected: yes.
Comment: The K917X variant has not been published aspathogenic or been reported as benign to our knowledge. Furthermore, this variant is not observed in large populationcohorts (Lek et al., 2016; 1000 Genomes Consortium et al., 2015; Exome Variant Server). The K917X nonsensevariant is predicted to cause loss of normal protein function either by protein truncation or nonsense-mediated mRNAdecay. However, only one definitive nonsense variant in the MIB1 gene has been reported in Human Gene MutationDatabase in association with cardiomyopathy (Stenson et al., 2014), the mechanism of disease for variants in theMIB1 gene remains to be definitely established. Identification of the K917X variant in additional affected individuals,larger segregation studies, and further functional evidence are necessary to further clarify the role of this variant indisease.